The following is an entry in ClinVar:

GRCh38/hg38 Xp11.23(chrX:49222435-49226325)x0

Gene: CACNA1F (calcium voltage-gated channel subunit alpha1 F; minus strand). Cytogenetic location: Xp11.23.
Variant type: copy number loss.
Change: copy number 0 of chrX:49,222,435-49,226,325 (3.9 kb, GRCh38 coordinates, 1-based), cytogenetic band Xp11.23.
Identifiers: ClinVar variation 2579254 (VCV002579254.1).

ClinVar aggregate classification (germline): Uncertain significance (1 of 4 stars; one submission).

Conditions:
X-linked cone-rod dystrophy 3 (CORDX3). Identifiers: Orphanet 1872, MedGen C1845407, MONDO:0010335, OMIM 300476.

Submission:

Broad Center for Mendelian Genomics, Broad Institute of MIT and Harvard
Classification: Uncertain significance for X-linked cone-rod dystrophy 3. Last evaluated: 2023-08-24. Review status: criteria provided, single submitter. Criteria: ACMG/ClinGen CNV Guidelines, 2019. Collection method: research. Allele origin: unknown. Inheritance: X-linked inheritance. Affected: yes.
Comment: These breakpoints have been estimated by exome sequencing only and therefore may not reflect the true breakpoints. Inheritance information is unavailable. The patient phenotype is nonspecific, but is consistent with cases described in the literature and/or published databases with overlapping variants. This variant is a deletion of 6 exons and is not predicted to alter the protein reading-frame. It is unclear if this deletion will impact the protein. While there is some evidence to suggest that heterozygous loss of function of the CACNA1F gene is a disease mechanism in cone-rod dystrophy, this association is not yet strongly established based on the criteria laid out in Tayoun, 2018 (PMID: 30192042). In summary, while there is some suspicion for a pathogenic role, the clinical significance of this variant is uncertain. The ACMG/ClinGen evidence codes and points used in this curation are as follows: 1: 0 points, 2: 0.30 points, 3: 0 points, 4-5: 0.15 points; Total: 0.45 points; Riggs 2020 (PMID: 31690835).